The following is an entry in ClinVar:

ClinVar aggregate classification (germline): Likely pathogenic (1 of 4 stars; one submission).

Submission:

Labcorp Genetics (formerly Invitae), Labcorp
Classification: Likely pathogenic. Last evaluated: 2019-10-11. Review status: criteria provided, single submitter. Criteria: Invitae Variant Classification Sherloc (09022015). Collection method: clinical testing. Allele origin: germline.
Comment: In summary, the currently available evidence indicates that the variant is pathogenic, but additional data are needed to prove that conclusively. Therefore, this variant has been classified as Likely Pathogenic. Algorithms developed to predict the effect of missense changes on protein structure and function (SIFT, PolyPhen-2, Align-GVGD) all suggest that this variant is likely to be disruptive, but these predictions have not been confirmed by published functional studies and their clinical significance is uncertain. This variant has been observed in individual(s) with clinical features of BCL11A-related disease (Invitae). In at least one individual the variant was observed to be de novo. This variant is not present in population databases (ExAC no frequency). This sequence change replaces serine with cysteine at codon 2 of the BCL11A protein (p.Ser2Cys). The serine residue is highly conserved and there is a moderate physicochemical difference between serine and cysteine.

NM_022893.4(BCL11A):c.5C>G (p.Ser2Cys)

Gene: BCL11A (BCL11 transcription factor A; minus strand). Cytogenetic location: 2p16.1.
Variant type: single nucleotide variant.
Coding change: c.5C>G on transcript NM_022893.4 (MANE Select); coding-DNA position 5, C replaced by G.
Protein change: p.Ser2Cys; replaces serine 2 with cysteine.
Molecular consequence: missense variant.
Genome position (GRCh38, 1-based): chr2:60,553,266, G>C on the plus strand (C>G on the coding strand, the complement: BCL11A is on the minus strand). VCF-style: chr2-60553266-G-C. GRCh37 (hg19) VCF-style: chr2-60780401-G-C.
Other names: c.5C>G, p.Ser2Cys (NM_001363864.1, NM_001365609.1, NM_018014.4 and 1 more transcripts); short protein forms S2C.
Identifiers: ClinVar variation 942345 (VCV000942345.10), dbSNP rs1670495445, ClinGen allele CA347040232.